The following is an entry in ClinVar:

NM_000521.4(HEXB):c.1569_1571dup (p.Asp524_Ala525insAsp)

Gene: HEXB (hexosaminidase subunit beta; plus strand). Cytogenetic location: 5q13.3.
Variant type: Duplication.
Coding change: c.1569_1571dup on transcript NM_000521.4 (MANE Select); coding-DNA positions 1569 to 1571, 3 bases duplicated (TGA; older notation c.1569_1571dupTGA).
Protein change: p.Asp524_Ala525insAsp.
Molecular consequence: inframe insertion.
Genome position (GRCh38, 1-based): chr5:74,720,703-74,720,705, TGA duplicated; duplicating any 3 consecutive bases within chr5:74,720,701-74,720,705 gives the same sequence; the c. name uses the placement nearest the transcript's 3' end. VCF-style (leftmost placement, unchanged base first): chr5-74720700-G-GGAT. GRCh37 (hg19) VCF-style: chr5-74016525-G-GGAT.
Other names: c.894_896dup, p.Asp299_Ala300insAsp (NM_001292004.2).
Identifiers: ClinVar variation 5003507 (VCV005003507.1).
Genomic context (GRCh38, chr5:74,720,700, plus strand): 5'-TAGGCCTCGGGCAAGTGCTGTTGGTGAGAGACTCTGGAGTTCCAAAGATGTCAGAGATAT[G>GGAT]GATGACGCCTATGACAGACTGACAAGGCACCGCTGCAGGATGGTCGAGTAAGAAATCTAT-3'

ClinVar aggregate classification (germline): Uncertain significance (1 of 4 stars; one submission).

Conditions:
Sandhoff disease. Also called: Beta-hexosaminidase-beta-subunit deficiency; GM2 gangliosidosis, type 2; Total hexosaminidase deficiency; Sandhoff-Jatzkewitz-Pilz disease; GM2-GANGLIOSIDOSIS, TYPE II; HEXOSAMINIDASES A AND B DEFICIENCY. Identifiers: Orphanet 796, MedGen C0036161, MONDO:0010006, OMIM 268800.

Submission:

Myriad Genetics, Inc.
Classification: Uncertain significance for Sandhoff disease. Last evaluated: 2026-06-18. Review status: criteria provided, single submitter. Criteria: Myriad Autosomal Dominant, Autosomal Recessive and X-Linked Classification Criteria (2023). Collection method: clinical testing. Allele origin: unknown.
Comment: NM_000521.3(HEXB):c.1569_1571dupTGA(D524dup) is an in-frame insertion classified as a variant of uncertain significance in the context of Sandhoff disease. D524dup has not been observed in cases with relevant disease. Relevant functional assessments of this variant are not available in the literature. D524dup has not been observed in referenced population frequency databases. In summary, there is insufficient evidence to classify NM_000521.3(HEXB):c.1569_1571dupTGA(D524dup) as pathogenic or benign. Please note: this variant was assessed in the context of healthy population screening.